The following is an entry in ClinVar:

ClinVar aggregate classification (germline): Conflicting classifications of pathogenicity. Review status: criteria provided, conflicting classifications (1 of 4 stars). 7 submissions from 7 submitters: Uncertain significance (1); Benign (2); Likely benign (4). Last evaluated 2025-12-13.

Conditions:
Tuberous sclerosis 1 (TSC1). Identifiers: Orphanet 805, MedGen C1854465, MONDO:0008612, OMIM 191100.
Tuberous sclerosis syndrome (TSC). Also called: Tuberous Sclerosis Complex; Tuberous sclerosis. Identifiers: Orphanet 805, MedGen C0041341, MONDO:0001734.
Hereditary cancer-predisposing syndrome. Also called: Hereditary neoplastic syndrome; Neoplastic Syndromes, Hereditary; Tumor predisposition; Hereditary Cancer Syndrome. Identifiers: Orphanet 140162, MedGen C0027672, MeSH D009386, MONDO:0015356.

Allele frequency attached by ClinVar (database versions not stated): gnomAD exomes below 0.00001 and 0.00001; ExAC 0.00001; gnomAD 0.00001.
gnomAD v4.1: 8 of 1,613,986 alleles (0.0005%); highest among the groups gnomAD compares: Admixed American, 0.0017%; no homozygotes.

Submissions (7):

Labcorp Genetics (formerly Invitae), Labcorp
Classification: Likely benign for Tuberous sclerosis 1. Last evaluated: 2025-12-13. Review status: criteria provided, single submitter. Criteria: Invitae Variant Classification Sherloc (09022015). Collection method: clinical testing. Allele origin: germline.

Myriad Genetics, Inc.
Classification: Benign for Tuberous sclerosis 1. Last evaluated: 2025-04-30. Review status: criteria provided, single submitter. Criteria: Myriad Autosomal Dominant, Autosomal Recessive and X-Linked Classification Criteria (2023). Collection method: clinical testing. Allele origin: unknown.
Comment: This variant is considered benign. This variant is a silent/synonymous amino acid change and it is not expected to impact splicing.

All of Us Research Program, National Institutes of Health
Classification: Uncertain significance for Tuberous sclerosis syndrome. Last evaluated: 2023-08-15. Review status: criteria provided, single submitter. Criteria: ACMG Guidelines, 2015. Collection method: clinical testing. Allele origin: germline. Inheritance: Autosomal dominant inheritance. Observed: 2 variant alleles, 2 heterozygotes.
Comment: This variant is located in the TSC1 protein. To our knowledge, functional studies have not been reported for this variant. This variant has not been reported in individuals affected with TSC1-related disorders in the literature. This variant has been identified in 3/282842 chromosomes in the general population by the Genome Aggregation Database (gnomAD). The available evidence is insufficient to determine the role of this variant in disease conclusively. Therefore, this variant is classified as a Variant of Uncertain Significance.

This study involves interpretation of variants in research participants for the purpose of population health screening. Participant phenotype was not available at the time of variant classification. Additional details can be found in publication PMID: 35346344, PMCID: PMC8962531

Genome-Nilou Lab
Classification: Benign for Tuberous sclerosis 1. Last evaluated: 2021-11-07. Review status: criteria provided, single submitter. Criteria: ACMG Guidelines, 2015. Collection method: clinical testing. Allele origin: germline. Affected: no.

Sema4
Classification: Likely benign for Hereditary cancer-predisposing syndrome. Last evaluated: 2021-07-07. Review status: criteria provided, single submitter. Criteria: Sema4 Curation Guidelines. Collection method: curation. Allele origin: germline.

Ambry Genetics
Classification: Likely benign for Hereditary cancer-predisposing syndrome. Last evaluated: 2020-10-12. Review status: criteria provided, single submitter. Criteria: Ambry Variant Classification Scheme 2023. Collection method: clinical testing. Allele origin: germline.

GeneDx
Classification: Likely benign. Last evaluated: 2017-10-19. Review status: criteria provided, single submitter. Criteria: GeneDx Variant Classification (06012015). Collection method: clinical testing. Allele origin: germline. Affected: yes.
Comment: This variant is considered likely benign or benign based on one or more of the following criteria: it is a conservative change, it occurs at a poorly conserved position in the protein, it is predicted to be benign by multiple in silico algorithms, and/or has population frequency not consistent with disease.

NM_000368.5(TSC1):c.3300C>T (p.Ser1100=)

Gene: TSC1 (TSC complex subunit 1; minus strand). Cytogenetic location: 9q34.13.
Variant type: single nucleotide variant.
Coding change: c.3300C>T on transcript NM_000368.5 (MANE Select); coding-DNA position 3300, C replaced by T.
Protein change: p.Ser1100=; no amino-acid change (serine 1100 retained).
Molecular consequence: synonymous variant.
Genome position (GRCh38, 1-based): chr9:132,896,430, G>A on the plus strand (C>T on the coding strand, the complement: TSC1 is on the minus strand). VCF-style: chr9-132896430-G-A. GRCh37 (hg19) VCF-style: chr9-135771817-G-A.
Other names: c.3297C>T, p.Ser1099= (NM_001162426.2); c.3147C>T, p.Ser1049= (NM_001162427.2); c.2937C>T, p.Ser979= (NM_001362177.2).
Identifiers: ClinVar variation 411207 (VCV000411207.18), dbSNP rs754282309, ClinGen allele CA036396.